The following is an entry in ClinVar:

ClinVar aggregate classification (germline): Likely pathogenic (1 of 4 stars; one submission).

Conditions:
Peroxisome biogenesis disorder 2B (PBD2B). Identifiers: Orphanet 44, MedGen C3550234, MONDO:0008736, OMIM 202370.

Submission:

Labcorp Genetics (formerly Invitae), Labcorp
Classification: Likely pathogenic for Peroxisome biogenesis disorder 2B. Last evaluated: 2024-10-29. Review status: criteria provided, single submitter. Criteria: Invitae Variant Classification Sherloc (09022015). Collection method: clinical testing. Allele origin: germline.
Comment: This sequence change affects a donor splice site in intron 8 of the PEX5 gene. It is expected to disrupt RNA splicing. Variants that disrupt the donor or acceptor splice site typically lead to a loss of protein function (PMID: 16199547), and loss-of-function variants in PEX5 are known to be pathogenic (PMID: 18712838, 21031596). This variant is not present in population databases (gnomAD no frequency). This variant has not been reported in the literature in individuals affected with PEX5-related conditions. Algorithms developed to predict the effect of sequence changes on RNA splicing suggest that this variant may disrupt the consensus splice site. In summary, the currently available evidence indicates that the variant is pathogenic, but additional data are needed to prove that conclusively. Therefore, this variant has been classified as Likely Pathogenic.

Literature cited by the submitters: PubMed 16199547; PubMed 18712838; PubMed 21031596.

NM_001351132.2(PEX5):c.753+1G>A

Gene: PEX5 (peroxisomal biogenesis factor 5; plus strand). Cytogenetic location: 12p13.31.
Variant type: single nucleotide variant.
Coding change: c.753+1G>A on transcript NM_001351132.2 (MANE Select); the canonical splice donor site of the intron after coding-DNA position 753, G replaced by A.
Molecular consequence: splice donor variant. On other transcripts: intron variant (15).
Genome position (GRCh38, 1-based): chr12:7,202,352, G>A. VCF-style: chr12-7202352-G-A. GRCh37 (hg19) VCF-style: chr12-7354948-G-A.
Other names: c.643-260G>A (NM_001351124.3, NM_001351127.2, NM_001351140.2 and 10 more transcripts); c.753+1G>A (NM_001131026.2, NM_001351131.2, NM_001351133.2 and 6 more transcripts); c.798+1G>A (NM_001131023.2); c.688-260G>A (NM_001351138.2, NM_001351135.3).
Identifiers: ClinVar variation 2832190 (VCV002832190.3), dbSNP rs2540148926, ClinGen allele CA383723616.